The following is an entry in ClinVar:

NM_139058.3(ARX):c.*2G>C

Gene: ARX (aristaless related homeobox; minus strand). Cytogenetic location: Xp21.3.
Variant type: single nucleotide variant.
Coding change: c.*2G>C on transcript NM_139058.3 (MANE Select); 2 bases downstream of the stop codon, G replaced by C.
Molecular consequence: 3 prime UTR variant.
Genome position (GRCh38, 1-based): chrX:25,004,668, C>G on the plus strand (G>C on the coding strand, the complement: ARX is on the minus strand). VCF-style: chrX-25004668-C-G. GRCh37 (hg19) VCF-style: chrX-25022785-C-G.
Identifiers: ClinVar variation 385683 (VCV000385683.1), dbSNP rs1057522298, ClinGen allele CA16609169.

ClinVar aggregate classification (germline): Likely benign (1 of 4 stars; one submission).

Allele frequency attached by ClinVar (database versions not stated): TOPMed 0.00001; gnomAD exomes 0.00003 and 0.00006.
gnomAD v4.1: 56 of 1,165,091 alleles (0.0048%); highest among the groups gnomAD compares: Non-Finnish European, 0.0064%; no homozygotes.

Submission:

GeneDx
Classification: Likely benign. Last evaluated: 2016-05-04. Review status: criteria provided, single submitter. Criteria: GeneDx Variant Classification (06012015). Collection method: clinical testing. Allele origin: germline. Affected: yes.
Comment: This variant is considered likely benign or benign based on one or more of the following criteria: it is a conservative change, it occurs at a poorly conserved position in the protein, it is predicted to be benign by multiple in silico algorithms, and/or has population frequency not consistent with disease.